The following is an entry in ClinVar:

ClinVar aggregate classification (germline): Uncertain significance. Review status: criteria provided, multiple submitters, no conflicts (2 of 4 stars). 2 submissions from 2 submitters: Uncertain significance (2). Last evaluated 2025-01-24.

Conditions:
Neurofibromatosis, type 2 (SWNV). Also called: BILATERAL ACOUSTIC NEUROFIBROMATOSIS; SCHWANNOMATOSIS, VESTIBULAR; NF2-Related Schwannomatosis. Identifiers: Orphanet 637, MedGen C0027832, MONDO:0007039, OMIM 101000. Disease mechanism: loss of function.
Hereditary cancer-predisposing syndrome. Also called: Neoplastic Syndromes, Hereditary; Hereditary Cancer Syndrome; Hereditary neoplastic syndrome; Tumor predisposition. Identifiers: Orphanet 140162, MedGen C0027672, MeSH D009386, MONDO:0015356.

Submissions (2):

Ambry Genetics
Classification: Uncertain significance for Hereditary cancer-predisposing syndrome. Last evaluated: 2025-01-24. Review status: criteria provided, single submitter. Criteria: Ambry Variant Classification Scheme 2023. Collection method: clinical testing. Allele origin: germline.
Comment: The p.H574Y variant (also known as c.1720C>T), located in coding exon 15 of the NF2 gene, results from a C to T substitution at nucleotide position 1720. The histidine at codon 574 is replaced by tyrosine, an amino acid with similar properties. This amino acid position is conserved. In addition, this alteration is predicted to be tolerated by in silico analysis. Based on the available evidence, the clinical significance of this variant remains unclear.

Labcorp Genetics (formerly Invitae), Labcorp
Classification: Uncertain significance for Neurofibromatosis, type 2. Last evaluated: 2020-05-30. Review status: criteria provided, single submitter. Criteria: Invitae Variant Classification Sherloc (09022015). Collection method: clinical testing. Allele origin: germline.
Comment: In summary, the available evidence is currently insufficient to determine the role of this variant in disease. Therefore, it has been classified as a Variant of Uncertain Significance. This sequence change replaces histidine with tyrosine at codon 574 of the NF2 protein (p.His574Tyr). The histidine residue is moderately conserved and there is a moderate physicochemical difference between histidine and tyrosine. This variant is not present in population databases (ExAC no frequency). This variant has not been reported in the literature in individuals with NF2-related conditions. Algorithms developed to predict the effect of missense changes on protein structure and function (SIFT, PolyPhen-2, Align-GVGD) all suggest that this variant is likely to be tolerated, but these predictions have not been confirmed by published functional studies and their clinical significance is uncertain.

NM_000268.4(NF2):c.1720C>T (p.His574Tyr)

Gene: NF2 (NF2, moesin-ezrin-radixin like (MERLIN) tumor suppressor; plus strand). Cytogenetic location: 22q12.2.
Variant type: single nucleotide variant.
Coding change: c.1720C>T on transcript NM_000268.4 (MANE Select); coding-DNA position 1720, C replaced by T.
Protein change: p.His574Tyr; replaces histidine 574 with tyrosine.
Molecular consequence: missense variant. On other transcripts: non-coding transcript variant (1), intron variant (1).
Genome position (GRCh38, 1-based): chr22:29,681,584, C>T. VCF-style: chr22-29681584-C-T. GRCh37 (hg19) VCF-style: chr22-30077573-C-T.
Other names: c.1720C>T (NM_000268.3); c.1720C>T, p.His574Tyr (NM_016418.5, NM_181825.3, NM_181832.3); c.1594C>T, p.His532Tyr (NM_181828.3); c.1597C>T, p.His533Tyr (NM_181829.3); c.1471C>T, p.His491Tyr (NM_181830.3, NM_181831.3); c.448-13168C>T (NM_181833.3); short protein forms H491Y, H532Y, H533Y, H574Y.
Identifiers: ClinVar variation 1020349 (VCV001020349.10), dbSNP rs867707782, ClinGen allele CA411150493.